The following is an entry in ClinVar:

NM_000458.4(HNF1B):c.1045+6C>T

Gene: HNF1B (HNF1 homeobox B; minus strand). Cytogenetic location: 17q12.
Variant type: single nucleotide variant.
Coding change: c.1045+6C>T on transcript NM_000458.4 (MANE Select); 6 bases into the intron after coding-DNA position 1045, C replaced by T.
Molecular consequence: intron variant.
Genome position (GRCh38, 1-based): chr17:37,731,589, G>A on the plus strand (C>T on the coding strand, the complement: HNF1B is on the minus strand). VCF-style: chr17-37731589-G-A. GRCh37 (hg19) VCF-style: chr17-36091580-G-A.
Other names: c.967+6C>T (NM_001304286.2, NM_001165923.4); c.1045+6C>T (NM_001411100.1).
Identifiers: ClinVar variation 3053481 (VCV003053481.2), dbSNP rs2511799944, ClinGen allele CA2576244014.

ClinVar aggregate classification (germline): Likely benign (0 of 4 stars; one submission).

Conditions:
HNF1B-related disorder. Also called: HNF1B-related condition; HNF1B-related disorders.

Allele frequency attached by ClinVar (database versions not stated): gnomAD exomes below 0.00001.
gnomAD v4.1: 1 of 1,607,884 alleles (0.000062%); highest among the groups gnomAD compares: Non-Finnish European, 0.000085%; no homozygotes.

Submission:

PreventionGenetics, part of Exact Sciences
Classification: Likely benign for HNF1B-related condition. Last evaluated: 2022-06-15. Review status: no assertion criteria provided. Collection method: clinical testing. Allele origin: germline.
Comment: This variant is classified as likely benign based on ACMG/AMP sequence variant interpretation guidelines (Richards et al. 2015 PMID: 25741868, with internal and published modifications).